The following is an entry in ClinVar:

ClinVar aggregate classification (germline): Uncertain significance. Review status: criteria provided, multiple submitters, no conflicts (2 of 4 stars). 2 submissions from 2 submitters: Uncertain significance (2). Last evaluated 2025-12-23.

Conditions:
Inborn genetic diseases. Identifiers: MedGen C0950123, MeSH D030342.

gnomAD v4.1: 3 of 1,614,048 alleles (0.00019%); highest among the groups gnomAD compares: Middle Eastern, 0.016%; no homozygotes.

Submissions (2):

Labcorp Genetics (formerly Invitae), Labcorp
Classification: Uncertain significance. Last evaluated: 2025-12-23. Review status: criteria provided, single submitter. Criteria: Invitae Variant Classification Sherloc (09022015). Collection method: clinical testing. Allele origin: germline.
Comment: This sequence change replaces proline, which is neutral and non-polar, with alanine, which is neutral and non-polar, at codon 1606 of the KMT2E protein (p.Pro1606Ala). This variant is not present in population databases (gnomAD no frequency). This variant has not been reported in the literature in individuals affected with KMT2E-related conditions. ClinVar contains an entry for this variant (Variation ID: 3701774). An algorithm developed to predict the effect of missense changes on protein structure and function (PolyPhen-2) suggests that this variant is likely to be tolerated. In summary, the available evidence is currently insufficient to determine the role of this variant in disease. Therefore, it has been classified as a Variant of Uncertain Significance.

Ambry Genetics
Classification: Uncertain significance for Inborn genetic diseases. Last evaluated: 2025-01-26. Review status: criteria provided, single submitter. Criteria: Ambry Variant Classification Scheme 2023. Collection method: clinical testing. Allele origin: germline.

NM_182931.3(KMT2E):c.4816C>G (p.Pro1606Ala)

Gene: KMT2E (lysine methyltransferase 2E (inactive); plus strand). Cytogenetic location: 7q22.3.
Variant type: single nucleotide variant.
Coding change: c.4816C>G on transcript NM_182931.3 (MANE Select); coding-DNA position 4816, C replaced by G.
Protein change: p.Pro1606Ala; replaces proline 1606 with alanine.
Molecular consequence: missense variant.
Genome position (GRCh38, 1-based): chr7:105,112,572, C>G. VCF-style: chr7-105112572-C-G. GRCh37 (hg19) VCF-style: chr7-104753019-C-G.
Other names: c.4690C>G, p.Pro1564Ala (NM_001410908.1); c.4816C>G, p.Pro1606Ala (NM_018682.4); c.4816C>G (NM_182931.2); short protein forms P1606A, P1564A.
Identifiers: ClinVar variation 3701774 (VCV003701774.3).